The following is an entry in ClinVar:

ClinVar aggregate classification (germline): Likely benign (1 of 4 stars; one submission).

Allele frequency attached by ClinVar (database versions not stated): TOPMed below 0.00001; gnomAD exomes 0.00001.
gnomAD v4.1: 22 of 1,614,138 alleles (0.0014%); highest among the groups gnomAD compares: Non-Finnish European, 0.0018%; no homozygotes.

Submission:

CeGaT Center for Human Genetics Tuebingen
Classification: Likely benign. Last evaluated: 2023-12-01. Review status: criteria provided, single submitter. Criteria: CeGaT Center For Human Genetics Tuebingen Variant Classification Criteria Version 2. Collection method: clinical testing. Allele origin: germline. Affected: yes. Observed: 1 variant allele.
Comment: PRSS12: PM2:Supporting, BP4, BP7

NM_003619.4(PRSS12):c.2127T>A (p.Val709=)

Gene: PRSS12 (serine protease 12; minus strand). Cytogenetic location: 4q26.
Variant type: single nucleotide variant.
Coding change: c.2127T>A on transcript NM_003619.4 (MANE Select); coding-DNA position 2127, T replaced by A.
Protein change: p.Val709=; no amino-acid change (valine 709 retained).
Molecular consequence: synonymous variant.
Genome position (GRCh38, 1-based): chr4:118,283,024, A>T on the plus strand (T>A on the coding strand, the complement: PRSS12 is on the minus strand). VCF-style: chr4-118283024-A-T. GRCh37 (hg19) VCF-style: chr4-119204179-A-T.
Identifiers: ClinVar variation 3026235 (VCV003026235.22), dbSNP rs1742925245, ClinGen allele CA441110817.